The following is an entry in ClinVar:

ClinVar aggregate classification (germline): Uncertain significance (1 of 4 stars; one submission).

gnomAD v4.1: 2 of 1,614,124 alleles (0.00012%); highest among the groups gnomAD compares: Non-Finnish European, 0.00017%; no homozygotes.

Submission:

Labcorp Genetics (formerly Invitae), Labcorp
Classification: Uncertain significance. Last evaluated: 2024-06-07. Review status: criteria provided, single submitter. Criteria: Invitae Variant Classification Sherloc (09022015). Collection method: clinical testing. Allele origin: germline.
Comment: This sequence change replaces isoleucine, which is neutral and non-polar, with valine, which is neutral and non-polar, at codon 276 of the LRRC8A protein (p.Ile276Val). This variant is not present in population databases (gnomAD no frequency). This variant has not been reported in the literature in individuals affected with LRRC8A-related conditions. Algorithms developed to predict the effect of missense changes on protein structure and function output the following: SIFT: "Not Available"; PolyPhen-2: "Benign"; Align-GVGD: "Not Available". The valine amino acid residue is found in multiple mammalian species, which suggests that this missense change does not adversely affect protein function. In summary, the available evidence is currently insufficient to determine the role of this variant in disease. Therefore, it has been classified as a Variant of Uncertain Significance.

NM_019594.4(LRRC8A):c.826A>G (p.Ile276Val)

Gene: LRRC8A (leucine rich repeat containing 8 VRAC subunit A; plus strand). Cytogenetic location: 9q34.11.
Variant type: single nucleotide variant.
Coding change: c.826A>G on transcript NM_019594.4 (MANE Select); coding-DNA position 826, A replaced by G.
Protein change: p.Ile276Val; replaces isoleucine 276 with valine.
Molecular consequence: missense variant.
Genome position (GRCh38, 1-based): chr9:128,907,990, A>G. VCF-style: chr9-128907990-A-G. GRCh37 (hg19) VCF-style: chr9-131670269-A-G.
Other names: c.826A>G, p.Ile276Val (NM_001127244.2, NM_001127245.2); short protein forms I276V.
Identifiers: ClinVar variation 3654542 (VCV003654542.2).